The following is an entry in ClinVar:

NM_020778.5(ALPK3):c.55del (p.Ala19fs)

Gene: ALPK3 (alpha kinase 3; plus strand). Cytogenetic location: 15q25.3.
Variant type: Deletion.
Coding change: c.55del on transcript NM_020778.5 (MANE Select); coding-DNA position 55, one base deleted (G; older notation c.55delG).
Protein change: p.Ala19fs; shifts the reading frame from alanine 19.
Molecular consequence: frameshift variant.
Genome position (GRCh38, 1-based): chr15:84,817,507, G deleted; the last of 5 consecutive G bases (chr15:84,817,503-84,817,507); deleting any one gives the same sequence. VCF-style (leftmost placement, unchanged base first): chr15-84817502-CG-C. GRCh37 (hg19) VCF-style: chr15-85360733-CG-C.
Other names: short protein forms A19fs.
Identifiers: ClinVar variation 1929459 (VCV001929459.5), dbSNP rs2505689216, ClinGen allele CA2580090113.
Genomic context (GRCh38, chr15:84,817,502, plus strand): 5'-AGGGCGGTGCCATGGGGTCGCGGAGGGCCCCCAGCCGGGGCTGGGGCGCGGGTGGGCGGT[CG>C]GGGGCGGGGGGCGACGGTGAGGACGACGGCCCCGTGTGGATCCCCAGCCCAGCCAGCCGG-3'

ClinVar aggregate classification (germline): Pathogenic (1 of 4 stars; one submission).

Submission:

Labcorp Genetics (formerly Invitae), Labcorp
Classification: Pathogenic. Last evaluated: 2021-12-27. Review status: criteria provided, single submitter. Criteria: Invitae Variant Classification Sherloc (09022015). Collection method: clinical testing. Allele origin: germline.
Comment: This variant is not present in population databases (gnomAD no frequency). This variant has not been reported in the literature in individuals affected with ALPK3-related conditions. For these reasons, this variant has been classified as Pathogenic. This sequence change creates a premature translational stop signal (p.Ala221Argfs*90) in the ALPK3 gene. It is expected to result in an absent or disrupted protein product. Loss-of-function variants in ALPK3 are known to be pathogenic (PMID: 21441111, 26846950, 27106955, 34263907).

Literature cited by the submitters: PubMed 21441111; PubMed 26846950; PubMed 27106955; PubMed 34263907.